The following is an entry in ClinVar:

NM_004259.7(RECQL5):c.1229+486C>T

Gene: RECQL5 (RecQ like helicase 5; minus strand). Cytogenetic location: 17q25.1.
Variant type: single nucleotide variant.
Coding change: c.1229+486C>T on transcript NM_004259.7 (MANE Select); 486 bases into the intron after coding-DNA position 1229, C replaced by T.
Molecular consequence: intron variant. On other transcripts: synonymous variant (1), 3 prime UTR variant (1).
Genome position (GRCh38, 1-based): chr17:75,650,700, G>A on the plus strand (C>T on the coding strand, the complement: RECQL5 is on the minus strand). VCF-style: chr17-75650700-G-A. GRCh37 (hg19) VCF-style: chr17-73646780-G-A.
Other names: c.1248C>T, p.His416= (NM_001003715.4); c.*482C>T (NM_001003716.4).
Identifiers: ClinVar variation 3055986 (VCV003055986.2), dbSNP rs57608326, ClinGen allele CA8767700.

ClinVar aggregate classification (germline): Benign (0 of 4 stars; one submission).

Conditions:
RECQL5-related disorder. Also called: RECQL5-related condition.

Allele frequency attached by ClinVar (database versions not stated): gnomAD exomes 0.00501; ExAC 0.01531; gnomAD 0.03588; 1000 Genomes Project 0.03634; 1000 Genomes Project 30x 0.03966; TOPMed 0.03968; ESP Exome Variant Server 0.04190.
gnomAD v4.1: 13,022 of 1,613,788 alleles (0.81%); highest among the groups gnomAD compares: African/African-American, 12%; 664 homozygotes.

Submission:

PreventionGenetics, part of Exact Sciences
Classification: Benign for RECQL5-related condition. Last evaluated: 2019-11-07. Review status: no assertion criteria provided. Collection method: clinical testing. Allele origin: germline.
Comment: This variant is classified as benign based on ACMG/AMP sequence variant interpretation guidelines (Richards et al. 2015 PMID: 25741868, with internal and published modifications).